The following is an entry in ClinVar:

NM_000540.3(RYR1):c.982C>T (p.Arg328Trp)

Gene: RYR1 (ryanodine receptor 1; plus strand). Cytogenetic location: 19q13.2.
Variant type: single nucleotide variant.
Coding change: c.982C>T on transcript NM_000540.3 (MANE Select); coding-DNA position 982, C replaced by T.
Protein change: p.Arg328Trp; replaces arginine 328 with tryptophan.
Molecular consequence: missense variant.
Genome position (GRCh38, 1-based): chr19:38,448,673, C>T. VCF-style: chr19-38448673-C-T. GRCh37 (hg19) VCF-style: chr19-38939313-C-T.
Other names: NM_000540.2(RYR1):c.982C>T; c.982C>T, p.Arg328Trp (NM_001042723.2); short protein forms R328W.
Identifiers: ClinVar variation 133245 (VCV000133245.16), dbSNP rs193922762, ClinGen allele CA025007.

ClinVar aggregate classification (germline): Likely pathogenic; drug response. Review status: reviewed by expert panel (3 of 4 stars). 15 submissions from 9 submitters: Likely pathogenic (1). 7 of the submissions do not count toward it. Last evaluated 2025-08-01.

Conditions:
RYR1-related disorder. Also called: RYR1-related disorders; RYR1-related condition. Identifiers: MedGen CN239331.
Malignant hyperthermia, susceptibility to, 1 (MHS1). Also called: Anesthesia related hyperthermia; Malignant hyperpyrexia; Fulminating hyperpyrexia; Pharmacogenic myopathy; Malignant hyperthermia suceptibility 1; RYR1-Related Malignant Hyperthermia Susceptibility. Identifiers: Orphanet 423, MedGen C2930980, MONDO:0007783, OMIM 145600.
halothane response - Toxicity.
enflurane response - Toxicity.
desflurane response - Toxicity.
succinylcholine response - Toxicity.
sevoflurane response - Toxicity.
methoxyflurane response - Toxicity.
isoflurane response - Toxicity.

Allele frequency attached by ClinVar (database versions not stated): ExAC 0.00003.
gnomAD v4.1: 13 of 1,614,088 alleles (0.00081%); highest among the groups gnomAD compares: South Asian, 0.0022%; no homozygotes.

Submissions (15):

ClinGen Malignant Hyperthermia Susceptibility Variant Curation Expert Panel, ClinGen
Classification: Likely pathogenic for Malignant hyperthermia, susceptibility to, 1. Last evaluated: 2025-08-01. Review status: reviewed by expert panel. Criteria: ClinGen MHS ACMG Specifications V2. Collection method: curation. Allele origin: germline. Inheritance: Autosomal dominant inheritance. Study: ClinGen.
Comment: This pathogenicity assessment is relevant only for malignant hyperthermia susceptibility (MHS) inherited in an autosomal dominant pattern. Variants in RYR1 can also cause other myopathies inherited in an autosomal dominant pattern or in an autosomal recessive pattern. Some of these disorders may predispose individuals to malignant hyperthermia. RYR1 variants may also contribute to a malignant hyperthermia reaction in combination with other genetic and non-genetic factors and the clinician needs to consider such factors in making management decisions. This sequence variant predicts a substitution of arginine with tryptophan at codon 328 of the RYR1 protein p.(Arg328Trp). The maximum allele frequency for this variant among the six major gnomAD populations is SAS: 0.00006 maf, a frequency consistent with pathogenicity for MHS. This variant has been reported in one proband with a personal or family history of a malignant hyperthermia reaction and a positive in vitro contracture test (IVCT) or caffeine halothane contracture test (CHCT) result (when the proband was unavailable for testing a positive diagnostic test result in a mutation positive relative was counted), PS4_Supporting (PMID:12883402). Functional studies in HEK293 cells show an increased sensitivity to RYR1 agonists, PS3_Moderate (PMID:12883402). This variant resides in a region of RYR1 considered to be a hotspot for pathogenic variants that contribute to MHS, ( PM1, PM1_Sup) (PMID: 21118704). This variant segregates with MHS in four individuals, PP1 (PMID:12883402). For these reasons, this variant has been classified as Likely Pathogenic. Criteria implemented: PS4_Supporting, PS3_Moderate, PM1, PP1.

ClinPGx
Classification: drug response for desflurane response - Toxicity. Last evaluated: 2021-03-24. Review status: reviewed by expert panel. Criteria: Pharmacogenomics knowledge for personalized medicine. Collection method: curation. Allele origin: germline. Affected: yes.
Comment: PharmGKB Level of Evidence 1A: Level 1A clinical annotations describe variant-drug combinations that have variant-specific prescribing guidance available in a current clinical guideline annotation or an FDA-approved drug label annotation. Annotations of drug labels or clinical guidelines must give prescribing guidance for specific variants (e.g. CYP2C9*3, HLA-B*57:01) or provide mapping from defined allele functions to diplotypes and phenotypes to be used as supporting evidence for a level 1A clinical annotation. Level 1A clinical annotations must also be supported by at least one publication in addition to a clinical guideline or drug label with variant-specific prescribing guidance.

Drug is not necessarily used to treat response condition

ClinPGx
Classification: drug response for enflurane response - Toxicity. Last evaluated: 2021-03-24. Review status: reviewed by expert panel. Criteria: Pharmacogenomics knowledge for personalized medicine. Collection method: curation. Allele origin: germline. Affected: yes.
Comment: the same text as in the submission from ClinPGx above.

ClinPGx
Classification: drug response for halothane response - Toxicity. Last evaluated: 2021-03-24. Review status: reviewed by expert panel. Criteria: Pharmacogenomics knowledge for personalized medicine. Collection method: curation. Allele origin: germline. Affected: yes.
Comment: the same text as in the submission from ClinPGx above.

ClinPGx
Classification: drug response for isoflurane response - Toxicity. Last evaluated: 2021-03-24. Review status: reviewed by expert panel. Criteria: Pharmacogenomics knowledge for personalized medicine. Collection method: curation. Allele origin: germline. Affected: yes.
Comment: the same text as in the submission from ClinPGx above.

ClinPGx
Classification: drug response for methoxyflurane response - Toxicity. Last evaluated: 2021-03-24. Review status: reviewed by expert panel. Criteria: Pharmacogenomics knowledge for personalized medicine. Collection method: curation. Allele origin: germline. Affected: yes.
Comment: the same text as in the submission from ClinPGx above.

ClinPGx
Classification: drug response for sevoflurane response - Toxicity. Last evaluated: 2021-03-24. Review status: reviewed by expert panel. Criteria: Pharmacogenomics knowledge for personalized medicine. Collection method: curation. Allele origin: germline. Affected: yes.
Comment: the same text as in the submission from ClinPGx above.

ClinPGx
Classification: drug response for succinylcholine response - Toxicity. Last evaluated: 2021-03-24. Review status: reviewed by expert panel. Criteria: Pharmacogenomics knowledge for personalized medicine. Collection method: curation. Allele origin: germline. Affected: yes.
Comment: the same text as in the submission from ClinPGx above.

Labcorp Genetics (formerly Invitae), Labcorp
Classification: Pathogenic for RYR1-related disorder. Last evaluated: 2025-12-18. Review status: criteria provided, single submitter. Criteria: Invitae Variant Classification Sherloc (09022015). Collection method: clinical testing. Allele origin: germline. Not counted in ClinVar's aggregate classification.
Comment: This sequence change replaces arginine, which is basic and polar, with tryptophan, which is neutral and slightly polar, at codon 328 of the RYR1 protein (p.Arg328Trp). This variant is present in population databases (rs193922762, gnomAD 0.006%). This missense change has been observed in individual(s) with autosomal dominant malignant hyperthermia (PMID: 12883402). It has also been observed to segregate with disease in related individuals. ClinVar contains an entry for this variant (Variation ID: 133245). Invitae Evidence Modeling of protein sequence and biophysical properties (such as structural, functional, and spatial information, amino acid conservation, physicochemical variation, residue mobility, and thermodynamic stability) has been performed for this missense variant. However, the output from this modeling did not meet the statistical confidence thresholds required to predict the impact of this variant on RYR1 protein function. Experimental studies have shown that this missense change affects RYR1 function (PMID: 12883402). For these reasons, this variant has been classified as Pathogenic.

Variantyx, Inc.
Classification: Likely pathogenic for Malignant hyperthermia, susceptibility to, 1. Last evaluated: 2025-03-20. Review status: criteria provided, single submitter. Criteria: Variantyx Assertion Criteria 2022. Collection method: clinical testing. Allele origin: maternal. Not counted in ClinVar's aggregate classification.
Comment: This is a nonsynonymous variant in the RYR1 gene (OMIM: 180901). Pathogenic variants in this gene have been associated with autosomal dominant susceptibility to malignant hyperthermia 1. This variant has been reported in at least one affected individual(s) (PMID: 12883402) (PS4_Supporting). This variant has been observed to segregate with disease in at least four individuals from one family (PMID: 12883402) (PP1). Functional studies have shown that this variant alters RYR1 protein function (PMID: 12883402) (PS3_Moderate). This variant lies within a known hotspot for pathogenic variants or a well-established critical functional domain of the RYR1 protein (PMID:21118704) (PM1). Multiple computational algorithms predict a deleterious effect for this variant (REVEL score: 0.76) (PP3). This variant has a 0.0022% maximum allele frequency in non-founder control populations. Based on the current evidence, this variant is classified as likely pathogenic for autosomal dominant susceptibility to malignant hyperthermia 1.

GeneDx
Classification: Pathogenic. Last evaluated: 2025-02-05. Review status: criteria provided, single submitter. Criteria: GeneDx Variant Classification Process June 2021. Collection method: clinical testing. Allele origin: germline. Affected: yes. Not counted in ClinVar's aggregate classification.
Comment: Published functional studies demonstrate a damaging effect with increased sensitivity to caffeine and halothane (PMID: 12883402); In silico analysis supports that this missense variant has a deleterious effect on protein structure/function; Not observed at significant frequency in large population cohorts (gnomAD); This variant is associated with the following publications: (PMID: 31301762, 12883402, 35169154, 39582510, 33767344)

All of Us Research Program, National Institutes of Health
Classification: Likely pathogenic for Malignant hyperthermia, susceptibility to, 1. Last evaluated: 2024-09-27. Review status: criteria provided, single submitter. Criteria: ACMG Guidelines, 2015. Collection method: clinical testing. Allele origin: germline. Inheritance: Autosomal dominant inheritance. Observed: 1 variant allele, 1 heterozygote. Not counted in ClinVar's aggregate classification.
Comment: The c.982C>T (p.Arg328Trp) variant, located on the exon 11 of the RYR1 gene, replaces arginine with tryptophan at codon 328 of the RYR1 protein. This variant has been observed in one proband with personal or family histories of a malignant hyperthermia reaction, positive in vitro contracture test (IVCT) or caffeine halothane contracture test (CHCT) (PMID:12883402). This variant has been observed to segregate with MHS in four family members (PMID:12883402). Functional studies in HEK293 cells show increased sensitivity to RYR1 agonists (PMID:12883402). This missense variant is located within a mutational hot spot region that contributes to MHS (PMID: 21118704). This variant has been classified as likely pathogenic by the expert review panel in ClinVar (ID: 133245). This variant in rare (13/1614088 chromosomes) in the general population database, gnomAD (v4.1.0). For these reasons, the c.982C>T (p.Arg328Trp) variant in the RYR1 gene is classified as likely pathogenic.

This study involves interpretation of variants in research participants for the purpose of population health screening. Participant phenotype was not available at the time of variant classification. Additional details can be found in publication PMID: 35346344, PMCID: PMC8962531

Blueprint Genetics
Classification: Likely pathogenic for RYR1-related disorders. Last evaluated: 2023-11-30. Review status: criteria provided, single submitter. Criteria: ACMG Guidelines, 2015. Collection method: clinical testing. Allele origin: germline. Affected: yes. Observed: 2 variant alleles. Not counted in ClinVar's aggregate classification.

PreventionGenetics, part of Exact Sciences
Classification: Uncertain significance. Last evaluated: 2018-05-26. Review status: criteria provided, single submitter. Criteria: ACMG Guidelines, 2015. Collection method: clinical testing. Allele origin: germline. Not counted in ClinVar's aggregate classification.

RYR1 database
No classification provided. Review status: no classification provided. Collection method: not provided. Allele origin: unknown. Not counted in ClinVar's aggregate classification.

Literature cited by the submitters: PubMed 12883402 (cited by 3 submitters); PubMed 21118704 (cited by All of Us Research Program, National Institutes of Health).